The following is an entry in ClinVar:

ClinVar aggregate classification (germline): Uncertain significance (1 of 4 stars; one submission).

Conditions:
H syndrome. Also called: HISTIOCYTOSIS AND LYMPHADENOPATHY WITH OR WITHOUT CUTANEOUS, CARDIAC, AND/OR ENDOCRINE FEATURES, JOINT CONTRACTURES, AND/OR DEAFNESS; HYPERPIGMENTATION, CUTANEOUS, WITH HYPERTRICHOSIS, HEPATOSPLENOMEGALY, HEART ANOMALIES, AND HYPOGONADISM WITH OR WITHOUT HEARING LOSS; PIGMENTED HYPERTRICHOSIS WITH INSULIN-DEPENDENT DIABETES MELLITUS; ROSAI-DORFMAN DISEASE, FAMILIAL; SINUS HISTIOCYTOSIS AND MASSIVE LYMPHADENOPATHY; Hyperpigmentation, Cutaneous, with Hypertrichosis, Hepatosplenomegaly, Heart Anomalies, Hearing Loss, and Hypogonadism. Identifiers: Orphanet 168569, MedGen C1864445, MONDO:0011273, OMIM 602782.

Allele frequency attached by ClinVar (database versions not stated): ExAC 0.00001; gnomAD exomes 0.00001.
gnomAD v4.1: 3 of 1,614,192 alleles (0.00019%); highest among the groups gnomAD compares: Admixed American, 0.0017%; no homozygotes.

Submission:

Labcorp Genetics (formerly Invitae), Labcorp
Classification: Uncertain significance for H syndrome. Last evaluated: 2022-07-06. Review status: criteria provided, single submitter. Criteria: Invitae Variant Classification Sherloc (09022015). Collection method: clinical testing. Allele origin: germline.
Comment: This sequence change replaces isoleucine, which is neutral and non-polar, with valine, which is neutral and non-polar, at codon 55 of the SLC29A3 protein (p.Ile55Val). This variant is present in population databases (rs774173242, gnomAD 0.003%). This variant has not been reported in the literature in individuals affected with SLC29A3-related conditions. Algorithms developed to predict the effect of missense changes on protein structure and function (SIFT, PolyPhen-2, Align-GVGD) all suggest that this variant is likely to be tolerated. In summary, the available evidence is currently insufficient to determine the role of this variant in disease. Therefore, it has been classified as a Variant of Uncertain Significance.

NM_018344.6(SLC29A3):c.163A>G (p.Ile55Val)

Gene: SLC29A3 (solute carrier family 29 member 3; plus strand). Cytogenetic location: 10q22.1.
Variant type: single nucleotide variant.
Coding change: c.163A>G on transcript NM_018344.6 (MANE Select); coding-DNA position 163, A replaced by G.
Protein change: p.Ile55Val; replaces isoleucine 55 with valine.
Molecular consequence: missense variant. On other transcripts: 5 prime UTR variant (1), non-coding transcript variant (2).
Genome position (GRCh38, 1-based): chr10:71,322,917, A>G. VCF-style: chr10-71322917-A-G. GRCh37 (hg19) VCF-style: chr10-73082674-A-G.
Other names: c.163A>G, p.Ile55Val (NM_001174098.2); c.-72A>G (NM_001363518.2); short protein forms I55V.
Identifiers: ClinVar variation 2059288 (VCV002059288.1), dbSNP rs774173242, ClinGen allele CA5542839.